The following is an entry in ClinVar:

NM_014974.3(DIP2C):c.3197C>A (p.Ala1066Glu)

Gene: DIP2C (DIP2 acetate--CoA ligase C (putative); minus strand). Cytogenetic location: 10p15.3.
Variant type: single nucleotide variant.
Coding change: c.3197C>A on transcript NM_014974.3 (MANE Select); coding-DNA position 3197, C replaced by A.
Protein change: p.Ala1066Glu; replaces alanine 1066 with glutamic acid.
Molecular consequence: missense variant.
Genome position (GRCh38, 1-based): chr10:348,675, G>T on the plus strand (C>A on the coding strand, the complement: DIP2C is on the minus strand). VCF-style: chr10-348675-G-T. GRCh37 (hg19) VCF-style: chr10-394615-G-T.
Other names: short protein forms A1066E.
Identifiers: ClinVar variation 4710288 (VCV004710288.1).

ClinVar aggregate classification (germline): Uncertain significance (1 of 4 stars; one submission).

gnomAD v4.1: 3 of 1,613,694 alleles (0.00019%); highest among the groups gnomAD compares: Non-Finnish European, 0.00025%; no homozygotes.

Submission:

Labcorp Genetics (formerly Invitae), Labcorp
Classification: Uncertain significance. Last evaluated: 2025-02-13. Review status: criteria provided, single submitter. Criteria: Invitae Variant Classification Sherloc (09022015). Collection method: clinical testing. Allele origin: germline.
Comment: This sequence change replaces alanine, which is neutral and non-polar, with glutamic acid, which is acidic and polar, at codon 1066 of the DIP2C protein (p.Ala1066Glu). This variant is not present in population databases (gnomAD no frequency). This variant has not been reported in the literature in individuals affected with DIP2C-related conditions. An algorithm developed to predict the effect of missense changes on protein structure and function (PolyPhen-2) suggests that this variant is likely to be tolerated. In summary, the available evidence is currently insufficient to determine the role of this variant in disease. Therefore, it has been classified as a Variant of Uncertain Significance.